The following is an entry in ClinVar:

NM_006267.5(RANBP2):c.9552T>A (p.Phe3184Leu)

Gene: RANBP2 (RAN binding protein 2; plus strand). Cytogenetic location: 2q13.
Variant type: single nucleotide variant.
Coding change: c.9552T>A on transcript NM_006267.5 (MANE Select); coding-DNA position 9552, T replaced by A.
Protein change: p.Phe3184Leu; replaces phenylalanine 3184 with leucine.
Molecular consequence: missense variant.
Genome position (GRCh38, 1-based): chr2:108,783,778, T>A. VCF-style: chr2-108783778-T-A. GRCh37 (hg19) VCF-style: chr2-109400234-T-A.
Other names: c.9630T>A, p.Phe3210Leu (NM_001415871.1); c.9549T>A, p.Phe3183Leu (NM_001415872.1); c.9576T>A, p.Phe3192Leu (NM_001415873.1); short protein forms F3183L, F3184L, F3192L, F3210L.
Identifiers: ClinVar variation 4975439 (VCV004975439.1).

ClinVar aggregate classification (germline): Uncertain significance (1 of 4 stars; one submission).

gnomAD v4.1: 26 of 1,612,526 alleles (0.0016%); highest among the groups gnomAD compares: Non-Finnish European, 0.0022%; no homozygotes.

Submission:

GeneDx
Classification: Uncertain significance. Last evaluated: 2026-01-25. Review status: criteria provided, single submitter. Criteria: GeneDx Variant Classification Process June 2021. Collection method: clinical testing. Allele origin: germline.
Comment: Not observed at significant frequency in large population cohorts (gnomAD); In silico analysis supports that this missense variant has a deleterious effect on protein structure/function; Has not been previously published as pathogenic or benign to our knowledge